The following is an entry in ClinVar:

NM_003491.4(NAA10):c.619G>C (p.Gly207Arg)

Gene: NAA10 (N-alpha-acetyltransferase 10, NatA catalytic subunit; minus strand). Cytogenetic location: Xq28.
Variant type: single nucleotide variant.
Coding change: c.619G>C on transcript NM_003491.4 (MANE Select); coding-DNA position 619, G replaced by C.
Protein change: p.Gly207Arg; replaces glycine 207 with arginine.
Molecular consequence: missense variant.
Genome position (GRCh38, 1-based): chrX:153,930,076, C>G on the plus strand (G>C on the coding strand, the complement: NAA10 is on the minus strand). VCF-style: chrX-153930076-C-G. GRCh37 (hg19) VCF-style: chrX-153195529-C-G.
Other names: c.574G>C, p.Gly192Arg (NM_001256119.2); c.601G>C, p.Gly201Arg (NM_001256120.2); short protein forms G192R, G207R, G201R.
Identifiers: ClinVar variation 1964713 (VCV001964713.5), dbSNP rs2521320119, ClinGen allele CA415153010.

ClinVar aggregate classification (germline): Uncertain significance (1 of 4 stars; one submission).

Allele frequency attached by ClinVar (database versions not stated): gnomAD exomes below 0.00001.
gnomAD v4.1: 1 of 1,211,276 alleles (0.000083%); highest among the groups gnomAD compares: Non-Finnish European, 0.00011%; no homozygotes.

Submission:

Labcorp Genetics (formerly Invitae), Labcorp
Classification: Uncertain significance. Last evaluated: 2022-09-27. Review status: criteria provided, single submitter. Criteria: Invitae Variant Classification Sherloc (09022015). Collection method: clinical testing. Allele origin: germline.
Comment: In summary, the available evidence is currently insufficient to determine the role of this variant in disease. Therefore, it has been classified as a Variant of Uncertain Significance. Algorithms developed to predict the effect of missense changes on protein structure and function are either unavailable or do not agree on the potential impact of this missense change (SIFT: "Deleterious"; PolyPhen-2: "Benign"; Align-GVGD: "Class C0"). This variant has not been reported in the literature in individuals affected with NAA10-related conditions. This variant is not present in population databases (gnomAD no frequency). This sequence change replaces glycine, which is neutral and non-polar, with arginine, which is basic and polar, at codon 207 of the NAA10 protein (p.Gly207Arg).